The following is an entry in ClinVar:

NM_006019.4(TCIRG1):c.1397_1410dup (p.Ile471fs)

Gene: TCIRG1 (T cell immune regulator 1, ATPase H+ transporting V0 subunit a3; plus strand). Cytogenetic location: 11q13.2.
Variant type: Duplication.
Coding change: c.1397_1410dup on transcript NM_006019.4 (MANE Select); coding-DNA positions 1397 to 1410, 14 bases duplicated (GTCGCGCCACCAGC).
Protein change: p.Ile471fs; shifts the reading frame from isoleucine 471.
Molecular consequence: frameshift variant.
Genome position (GRCh38, 1-based): chr11:68,047,738-68,047,751, GTCGCGCCACCAGC duplicated. VCF-style (leftmost placement, unchanged base first): chr11-68047737-A-AGTCGCGCCACCAGC. GRCh37 (hg19) VCF-style: chr11-67815204-A-AGTCGCGCCACCAGC.
Other names: c.503_516dup, p.Ile173fs (NM_001351059.2); c.749_762dup, p.Ile255fs (NM_006053.4); short protein forms I173fs, I255fs, I471fs.
Identifiers: ClinVar variation 3637403 (VCV003637403.2).
Genomic context (GRCh38, chr11:68,047,737, plus strand): 5'-CTGCTCCTGCTTATGGGCCTGTTCTCCATCTACACCGGCTTCATCTACAACGAGTGCTTC[A>AGTCGCGCCACCAGC]GTCGCGCCACCAGCATCTTCCCCTCGGGCTGGAGTGTGGCCGCCATGGCCAACCAGTCTG-3'

ClinVar aggregate classification (germline): Pathogenic (1 of 4 stars; one submission).

Submission:

Labcorp Genetics (formerly Invitae), Labcorp
Classification: Pathogenic. Last evaluated: 2024-08-21. Review status: criteria provided, single submitter. Criteria: Invitae Variant Classification Sherloc (09022015). Collection method: clinical testing. Allele origin: germline.
Comment: This sequence change creates a premature translational stop signal (p.Ile471Valfs*62) in the TCIRG1 gene. It is expected to result in an absent or disrupted protein product. Loss-of-function variants in TCIRG1 are known to be pathogenic (PMID: 10888887, 10942435, 11532986, 19448635). This variant is not present in population databases (gnomAD no frequency). This variant has not been reported in the literature in individuals affected with TCIRG1-related conditions. For these reasons, this variant has been classified as Pathogenic.

Literature cited by the submitters: PubMed 10888887; PubMed 10942435; PubMed 11532986; PubMed 19448635.